The following is an entry in ClinVar:

NM_000179.3(MSH6):c.1325T>G (p.Ile442Ser)

Gene: MSH6 (mutS homolog 6; plus strand). Cytogenetic location: 2p16.3.
Variant type: single nucleotide variant.
Coding change: c.1325T>G on transcript NM_000179.3 (MANE Select); coding-DNA position 1325, T replaced by G.
Protein change: p.Ile442Ser; replaces isoleucine 442 with serine.
Molecular consequence: missense variant. On other transcripts: non-coding transcript variant (4), intron variant (1).
Genome position (GRCh38, 1-based): chr2:47,799,308, T>G. VCF-style: chr2-47799308-T-G. GRCh37 (hg19) VCF-style: chr2-48026447-T-G.
Other names: c.935T>G, p.Ile312Ser (NM_001281492.2); c.419T>G, p.Ile140Ser (NM_001281493.2, NM_001281494.2, NM_001406814.1 and 6 more transcripts); c.1421T>G, p.Ile474Ser (NM_001406795.1, NM_001406802.1); c.1325T>G, p.Ile442Ser (NM_001406796.1, NM_001406798.1, NM_001406800.1 and 4 more transcripts); c.1028T>G, p.Ile343Ser (NM_001406797.1, NM_001406801.1, NM_001406818.1 and 10 more transcripts); c.800T>G, p.Ile267Ser (NM_001406799.1, NM_001406806.1, NM_001406807.1); c.1157T>G, p.Ile386Ser (NM_001406826.1); c.628-1358T>G (NM_001407362.1); and 2 more; short protein forms I140S, I267S, I312S, I343S, I386S, I416S, I442S, I444S.
Identifiers: ClinVar variation 4860421 (VCV004860421.1).

ClinVar aggregate classification (germline): Uncertain significance (1 of 4 stars; one submission).

Conditions:
Hereditary cancer-predisposing syndrome. Also called: Neoplastic Syndromes, Hereditary; Tumor predisposition; Hereditary Cancer Syndrome; Hereditary neoplastic syndrome. Identifiers: Orphanet 140162, MedGen C0027672, MeSH D009386, MONDO:0015356.

Submission:

Ambry Genetics
Classification: Uncertain significance for Hereditary cancer-predisposing syndrome. Last evaluated: 2026-05-23. Review status: criteria provided, single submitter. Criteria: Ambry Variant Classification Scheme 2023. Collection method: clinical testing. Allele origin: germline.
Comment: The p.I442S variant (also known as c.1325T>G), located in coding exon 4 of the MSH6 gene, results from a T to G substitution at nucleotide position 1325. The isoleucine at codon 442 is replaced by serine, an amino acid with dissimilar properties. This amino acid position is conserved. In addition, the in silico prediction for this alteration is inconclusive. Based on the available evidence, the clinical significance of this variant remains unclear.